The following is an entry in ClinVar:

NM_007294.4(BRCA1):c.2809A>G (p.Lys937Glu)

Gene: BRCA1 (BRCA1 DNA repair associated; minus strand). Cytogenetic location: 17q21.31.
Variant type: single nucleotide variant.
Coding change: c.2809A>G on transcript NM_007294.4 (MANE Select); coding-DNA position 2809, A replaced by G.
Protein change: p.Lys937Glu; replaces lysine 937 with glutamic acid.
Molecular consequence: missense variant. On other transcripts: intron variant (137).
Genome position (GRCh38, 1-based): chr17:43,092,722, T>C on the plus strand (A>G on the coding strand, the complement: BRCA1 is on the minus strand). VCF-style: chr17-43092722-T-C. GRCh37 (hg19) VCF-style: chr17-41244739-T-C.
Other names: c.2665A>G, p.Lys889Glu (NM_001407844.1, NM_001407845.1, NM_001407846.1 and 20 more transcripts); c.2806A>G, p.Lys936Glu (NM_001407591.1, NM_001407610.1, NM_001407611.1 and 22 more transcripts); c.2809A>G, p.Lys937Glu (NM_001407593.1, NM_001407594.1, NM_001407596.1 and 30 more transcripts); c.2800A>G, p.Lys934Glu (NM_001407646.1, NM_001407647.1); c.2686A>G, p.Lys896Glu (NM_001407648.1, NM_001407664.1, NM_001407665.1 and 19 more transcripts); c.2683A>G, p.Lys895Glu (NM_001407649.1, NM_001407670.1, NM_001407671.1 and 11 more transcripts); c.2731A>G, p.Lys911Glu (NM_001407653.1, NM_001407654.1, NM_001407655.1 and 4 more transcripts); c.2728A>G, p.Lys910Glu (NM_001407659.1, NM_001407660.1, NM_001407661.1 and 1 more transcripts); and 41 more; short protein forms K890E, K937E, K809E, K825E, K849E, K866E, K867E, K869E.
Identifiers: ClinVar variation 1171872 (VCV001171872.6), dbSNP rs1555588915, ClinGen allele CA10596376.

ClinVar aggregate classification (germline): Conflicting classifications of pathogenicity. Review status: criteria provided, conflicting classifications (1 of 4 stars). 3 submissions from 3 submitters: Uncertain significance (2); Likely benign (1). Last evaluated 2025-11-17.

Conditions:
Hereditary cancer-predisposing syndrome. Also called: Tumor predisposition; Hereditary neoplastic syndrome; Hereditary Cancer Syndrome; Neoplastic Syndromes, Hereditary. Identifiers: Orphanet 140162, MedGen C0027672, MeSH D009386, MONDO:0015356.

Submissions (3):

Ambry Genetics
Classification: Uncertain significance for Hereditary cancer-predisposing syndrome. Last evaluated: 2025-11-17. Review status: criteria provided, single submitter. Criteria: Ambry Variant Classification Scheme 2023. Collection method: clinical testing. Allele origin: germline.
Comment: The p.K937E variant (also known as c.2809A>G), located in coding exon 9 of the BRCA1 gene, results from an A to G substitution at nucleotide position 2809. The lysine at codon 937 is replaced by glutamic acid, an amino acid with similar properties. This amino acid position is not well conserved in available vertebrate species. In addition, the in silico prediction for this alteration is inconclusive. Based on the available evidence, the clinical significance of this variant remains unclear.

University of Washington Department of Laboratory Medicine, University of Washington
Classification: Likely benign for Hereditary cancer-predisposing syndrome. Last evaluated: 2023-03-23. Review status: criteria provided, single submitter. Criteria: Dines et al. (Genet Med. 2020). Collection method: curation. Allele origin: germline.
Comment: Missense variant in a coldspot region where missense variants are very unlikely to be pathogenic (PMID:31911673).

BRCA1 coldspot (exon 11 using historical exon numbering). Reclassification based on statistical prior probability

Color Diagnostics, LLC DBA Color Health
Classification: Uncertain significance for Hereditary cancer-predisposing syndrome. Last evaluated: 2021-02-01. Review status: criteria provided, single submitter. Criteria: ACMG Guidelines, 2015. Collection method: clinical testing. Allele origin: germline.
Comment: This missense variant replaces lysine with glutamic acid at codon 937 of the BRCA1 protein. Computational prediction is inconclusive regarding the impact of this variant on protein structure and function (internally defined REVEL score threshold 0.5 < inconclusive < 0.7, PMID: 27666373). To our knowledge, functional studies have not been reported for this variant. This variant has not been reported in individuals affected with hereditary cancer in the literature. This variant has not been identified in the general population by the Genome Aggregation Database (gnomAD). The available evidence is insufficient to determine the role of this variant in disease conclusively. Therefore, this variant is classified as a Variant of Uncertain Significance.